The following is an entry in ClinVar:

NM_018180.3(DHX32):c.890A>T (p.Asn297Ile)

Gene: DHX32 (DEAH-box helicase 32 (putative); minus strand). Cytogenetic location: 10q26.2.
Variant type: single nucleotide variant.
Coding change: c.890A>T on transcript NM_018180.3 (MANE Select); coding-DNA position 890, A replaced by T.
Protein change: p.Asn297Ile; replaces asparagine 297 with isoleucine.
Molecular consequence: missense variant.
Genome position (GRCh38, 1-based): chr10:125,854,163, T>A on the plus strand (A>T on the coding strand, the complement: DHX32 is on the minus strand). VCF-style: chr10-125854163-T-A. GRCh37 (hg19) VCF-style: chr10-127542732-T-A.
Other names: c.890A>T (NM_018180.2); short protein forms N297I.
Identifiers: ClinVar variation 1355609 (VCV001355609.9), dbSNP rs143289913, ClinGen allele CA5739354.
Genomic context (GRCh38, chr10:125,854,163, plus strand): 5'-GAACATTTCTCTTTTGGATACAAAGGAACAACCACCAGTTCTCCAAGATCTGGGTTTAGG[T>A]TAGATCCTTGATAGACAGTTTCACAGACTTTCTCAATATCCTAAAGAAAAAAAAACCCAT-3'
Protein context (NP_060650.2, residues 287-307): KVCETVYQGS[Asn297Ile]LNPDLGELVV

ClinVar aggregate classification (germline): Uncertain significance. Review status: criteria provided, multiple submitters, no conflicts (2 of 4 stars). 3 submissions from 3 submitters: Uncertain significance (3). Last evaluated 2025-09-29.

Allele frequency attached by ClinVar (database versions not stated): gnomAD exomes 0.00004 and 0.00006; ExAC 0.00007; ESP Exome Variant Server 0.00038; gnomAD 0.00038 and 0.00041; TOPMed 0.00043; 1000 Genomes Project 30x 0.00047; 1000 Genomes Project 0.00060.
gnomAD v4.1: 121 of 1,613,730 alleles (0.0075%); highest among the groups gnomAD compares: African/African-American, 0.14%; no homozygotes.

Submissions (3):

Labcorp Genetics (formerly Invitae), Labcorp
Classification: Uncertain significance. Last evaluated: 2025-09-29. Review status: criteria provided, single submitter. Criteria: Invitae Variant Classification Sherloc (09022015). Collection method: clinical testing. Allele origin: germline.
Comment: This sequence change replaces asparagine, which is neutral and polar, with isoleucine, which is neutral and non-polar, at codon 297 of the DHX32 protein (p.Asn297Ile). This variant is present in population databases (rs143289913, gnomAD 0.1%), and has an allele count higher than expected for a pathogenic variant. This variant has not been reported in the literature in individuals affected with DHX32-related conditions. ClinVar contains an entry for this variant (Variation ID: 1355609). An algorithm developed to predict the effect of missense changes on protein structure and function (PolyPhen-2) suggests that this variant is likely to be tolerated. In summary, the available evidence is currently insufficient to determine the role of this variant in disease. Therefore, it has been classified as a Variant of Uncertain Significance.

Ambry Genetics
Classification: Uncertain significance. Last evaluated: 2024-09-26. Review status: criteria provided, single submitter. Criteria: Ambry Variant Classification Scheme 2023. Collection method: clinical testing. Allele origin: germline.

Breakthrough Genomics
Classification: Uncertain significance. Review status: criteria provided, single submitter. Criteria: ACMG Guidelines, 2015. Collection method: not provided. Allele origin: germline. Inheritance: Unknown mechanism. Affected: yes.